The following is an entry in ClinVar:

ClinVar aggregate classification (germline): Pathogenic/Likely pathogenic. Review status: criteria provided, multiple submitters, no conflicts (2 of 4 stars). 2 submissions from 2 submitters: Pathogenic (1); Likely pathogenic (1). Last evaluated 2024-11-27.

Conditions:
Ullrich congenital muscular dystrophy 2 (UCMD2). Identifiers: Orphanet 75840, MedGen C4225314, MONDO:0014654, OMIM 616470.
COL12A1-related disorders.

Submissions (2):

3billion
Classification: Pathogenic for Ullrich congenital muscular dystrophy 2. Last evaluated: 2024-11-27. Review status: criteria provided, single submitter. Criteria: ACMG Guidelines, 2015. Collection method: clinical testing. Allele origin: germline. Affected: yes.
Comment: The variant is not observed in the gnomAD v4.1.0 dataset. Predicted Consequence/Location: Stop-gained (nonsense): predicted to result in a loss or disruption of normal protein function through nonsense-mediated decay (NMD) or protein truncation. Multiple pathogenic variants are reported downstream of the variant. Therefore, this variant is classified as Pathogenic according to the recommendation of ACMG/AMP guideline.

Blueprint Genetics
Classification: Likely pathogenic for COL12A1-related disorders. Last evaluated: 2023-02-28. Review status: criteria provided, single submitter. Criteria: ACMG Guidelines, 2015. Collection method: clinical testing. Allele origin: germline. Affected: yes. Observed: 1 variant allele.

NM_004370.6(COL12A1):c.6733G>T (p.Gly2245Ter)

Gene: COL12A1 (collagen type XII alpha 1 chain; minus strand). Cytogenetic location: 6q13.
Variant type: single nucleotide variant.
Coding change: c.6733G>T on transcript NM_004370.6 (MANE Select); coding-DNA position 6733, G replaced by T.
Protein change: p.Gly2245Ter; replaces glycine 2245 with a stop codon.
Molecular consequence: nonsense.
Genome position (GRCh38, 1-based): chr6:75,124,086, C>A on the plus strand (G>T on the coding strand, the complement: COL12A1 is on the minus strand). VCF-style: chr6-75124086-C-A. GRCh37 (hg19) VCF-style: chr6-75833802-C-A.
Other names: c.6733G>T, p.Gly2245Ter (NM_001424113.1); c.6712G>T, p.Gly2238Ter (NM_001424114.1); c.6460G>T, p.Gly2154Ter (NM_001424115.1); c.3241G>T, p.Gly1081Ter (NM_001424116.1, NM_080645.3); short protein forms G1081*, G2154*, G2238*, G2245*.
Identifiers: ClinVar variation 4293789 (VCV004293789.2).